The following is an entry in ClinVar:

ClinVar aggregate classification (germline): Conflicting classifications of pathogenicity. Review status: criteria provided, conflicting classifications (1 of 4 stars). 2 submissions from 2 submitters: Uncertain significance (1); Likely benign (1). Last evaluated 2026-07-28.

Conditions:
Hereditary cancer-predisposing syndrome. Also called: Tumor predisposition; Hereditary Cancer Syndrome; Hereditary neoplastic syndrome; Neoplastic Syndromes, Hereditary. Identifiers: Orphanet 140162, MedGen C0027672, MeSH D009386, MONDO:0015356.
Tuberous sclerosis 2 (TSC2). Identifiers: Orphanet 805, MedGen C1860707, MONDO:0013199, OMIM 613254.

Allele frequency attached by ClinVar (database versions not stated): gnomAD exomes below 0.00001.
gnomAD v4.1: 1 of 1,613,842 alleles (0.000062%); highest among the groups gnomAD compares: Non-Finnish European, 0.000085%; no homozygotes.

Submissions (2):

Ambry Genetics
Classification: Uncertain significance for Hereditary cancer-predisposing syndrome. Last evaluated: 2026-07-28. Review status: criteria provided, single submitter. Criteria: Ambry Variant Classification Scheme 2023. Collection method: clinical testing. Allele origin: germline.
Comment: The p.R901L variant (also known as c.2702G>T), located in coding exon 23 of the TSC2 gene, results from a G to T substitution at nucleotide position 2702. The arginine at codon 901 is replaced by leucine, an amino acid with dissimilar properties. This amino acid position is conserved. In addition, this alteration is predicted to be deleterious by in silico analysis. Based on the available evidence, the clinical significance of this variant remains unclear.

Labcorp Genetics (formerly Invitae), Labcorp
Classification: Likely benign for Tuberous sclerosis 2. Last evaluated: 2022-12-06. Review status: criteria provided, single submitter. Criteria: Invitae Variant Classification Sherloc (09022015). Collection method: clinical testing. Allele origin: germline.

NM_000548.5(TSC2):c.2702G>T (p.Arg901Leu)

Gene: TSC2 (TSC complex subunit 2; plus strand). Cytogenetic location: 16p13.3.
Variant type: single nucleotide variant.
Coding change: c.2702G>T on transcript NM_000548.5 (MANE Select); coding-DNA position 2702, G replaced by T.
Protein change: p.Arg901Leu; replaces arginine 901 with leucine.
Molecular consequence: missense variant.
Genome position (GRCh38, 1-based): chr16:2,076,130, G>T. VCF-style: chr16-2076130-G-T. GRCh37 (hg19) VCF-style: chr16-2126131-G-T.
Other names: c.2702G>T, p.Arg901Leu (NM_001077183.3, NM_001114382.3, NM_001363528.2 and 3 more transcripts); c.2591G>T, p.Arg864Leu (NM_001318827.2); c.2555G>T, p.Arg852Leu (NM_001318829.2); c.2102G>T, p.Arg701Leu (NM_001318831.2); c.2735G>T, p.Arg912Leu (NM_001318832.2); c.2702G>T (NM_000548.3); short protein forms R701L, R852L, R864L, R901L, R912L.
Identifiers: ClinVar variation 1016670 (VCV001016670.10), dbSNP rs1273957629, ClinGen allele CA394279443.